The following is an entry in ClinVar:

NM_004260.4(RECQL4):c.3484_3502+8del

Gene: RECQL4 (RecQ like helicase 4; minus strand). Cytogenetic location: 8q24.3.
Variant type: Deletion.
Coding change: c.3484_3502+8del on transcript NM_004260.4 (MANE Select); coding-DNA position 3484 through 8 bases into the intron after coding-DNA position 3502, 27 bases deleted (CGCATCTTCCACGGCATCGGTGAGGCC).
Molecular consequence: splice donor variant.
Genome position (GRCh38, 1-based): chr8:144,511,673-144,511,699, GGCCTCACCGATGCCGTGGAAGATGCG deleted on the plus strand (CGCATCTTCCACGGCATCGGTGAGGCC on the coding strand, the reverse complement: RECQL4 is on the minus strand); deleting any 27 consecutive bases within chr8:144,511,673-144,511,703 gives the same sequence; the c. name uses the placement nearest the transcript's 3' end. VCF-style (leftmost placement, unchanged base first): chr8-144511672-AGGCCTCACCGATGCCGTGGAAGATGCG-A. GRCh37 (hg19) VCF-style: chr8-145737055-AGGCCTCACCGATGCCGTGGAAGATGCG-A.
Identifiers: ClinVar variation 846037 (VCV000846037.6), dbSNP rs1827230385, ClinGen allele CA916083021.

ClinVar aggregate classification (germline): Uncertain significance (1 of 4 stars; one submission).

Conditions:
Baller-Gerold syndrome (BGS). Also called: CRANIOSYNOSTOSIS WITH RADIAL DEFECTS. Identifiers: Orphanet 1225, MedGen C0265308, MONDO:0009039, OMIM 218600.

Submission:

Labcorp Genetics (formerly Invitae), Labcorp
Classification: Uncertain significance for Baller-Gerold syndrome. Last evaluated: 2023-08-03. Review status: criteria provided, single submitter. Criteria: Invitae Variant Classification Sherloc (09022015). Collection method: clinical testing. Allele origin: germline.
Comment: This variant results in the deletion of part of exon 20 (c.3484_3502+8del) of the RECQL4 gene. While this variant is not anticipated to result in nonsense mediated decay, it likely alters RNA splicing and results in a disrupted protein product. This variant is not present in population databases (gnomAD no frequency). This variant has not been reported in the literature in individuals affected with RECQL4-related conditions. ClinVar contains an entry for this variant (Variation ID: 846037). Variants that disrupt the consensus splice site are a relatively common cause of aberrant splicing (PMID: 17576681, 9536098). Algorithms developed to predict the effect of sequence changes on RNA splicing suggest that this variant may disrupt the consensus splice site. In summary, the available evidence is currently insufficient to determine the role of this variant in disease. Therefore, it has been classified as a Variant of Uncertain Significance.

Literature cited by the submitters: PubMed 17576681; PubMed 9536098.